The following is an entry in ClinVar:

ClinVar aggregate classification (germline): Conflicting classifications of pathogenicity. Review status: criteria provided, conflicting classifications (1 of 4 stars). 3 submissions from 3 submitters: Uncertain significance (2); Benign (1). Last evaluated 2025-12-16.

Conditions:
BAP1-related tumor predisposition syndrome (TPDS1). Also called: Tumor susceptibility linked to germline BAP1 mutations; BAP1 tumor predisposition syndrome; COMMON Syndrome; TUMOR PREDISPOSITION SYNDROME 1. Identifiers: Orphanet 289539, MedGen C3280492, MONDO:0013692, OMIM 614327.
Hereditary cancer-predisposing syndrome. Also called: Tumor predisposition; Hereditary neoplastic syndrome; Hereditary Cancer Syndrome; Neoplastic Syndromes, Hereditary. Identifiers: Orphanet 140162, MedGen C0027672, MeSH D009386, MONDO:0015356.

Allele frequency attached by ClinVar (database versions not stated): gnomAD 0.00001; gnomAD exomes 0.00001; TOPMed 0.00001.

Submissions (3):

Ambry Genetics
Classification: Benign for Hereditary cancer-predisposing syndrome. Last evaluated: 2025-12-16. Review status: criteria provided, single submitter. Criteria: Ambry Variant Classification Scheme 2023. Collection method: clinical testing. Allele origin: germline.

Labcorp Genetics (formerly Invitae), Labcorp
Classification: Uncertain significance for BAP1-related tumor predisposition syndrome. Last evaluated: 2024-12-12. Review status: criteria provided, single submitter. Criteria: Invitae Variant Classification Sherloc (09022015). Collection method: clinical testing. Allele origin: germline.
Comment: This sequence change replaces glycine, which is neutral and non-polar, with arginine, which is basic and polar, at codon 197 of the BAP1 protein (p.Gly197Arg). This variant is present in population databases (no rsID available, gnomAD 0.01%). This variant has not been reported in the literature in individuals affected with BAP1-related conditions. ClinVar contains an entry for this variant (Variation ID: 920846). Invitae Evidence Modeling of protein sequence and biophysical properties (such as structural, functional, and spatial information, amino acid conservation, physicochemical variation, residue mobility, and thermodynamic stability) indicates that this missense variant is not expected to disrupt BAP1 protein function with a negative predictive value of 80%. In summary, the available evidence is currently insufficient to determine the role of this variant in disease. Therefore, it has been classified as a Variant of Uncertain Significance.

Color Diagnostics, LLC DBA Color Health
Classification: Uncertain significance for Hereditary cancer-predisposing syndrome. Last evaluated: 2020-11-08. Review status: criteria provided, single submitter. Criteria: ACMG Guidelines, 2015. Collection method: clinical testing. Allele origin: germline.
Comment: This missense variant replaces glycine with arginine at codon 197 of the BAP1 protein. Computational prediction suggests that this variant may not impact protein structure and function (internally defined REVEL score threshold <= 0.5, PMID: 27666373). To our knowledge, functional studies have not been reported for this variant. This variant has been reported in individuals affected with unspecified cancer (PMID: 28873162). This variant has been identified in 1/184614 chromosomes in the general population by the Genome Aggregation Database (gnomAD). The available evidence is insufficient to determine the role of this variant in disease conclusively. Therefore, this variant is classified as a Variant of Uncertain Significance.

Literature cited by the submitters: PubMed 38969833 (cited by Ambry Genetics).

NM_004656.4(BAP1):c.589G>C (p.Gly197Arg)

Gene: BAP1 (BRCA1 associated deubiquitinase 1; minus strand). Cytogenetic location: 3p21.1.
Variant type: single nucleotide variant.
Coding change: c.589G>C on transcript NM_004656.4 (MANE Select); coding-DNA position 589, G replaced by C.
Protein change: p.Gly197Arg; replaces glycine 197 with arginine.
Molecular consequence: missense variant.
Genome position (GRCh38, 1-based): chr3:52,406,899, C>G on the plus strand (G>C on the coding strand, the complement: BAP1 is on the minus strand). VCF-style: chr3-52406899-C-G. GRCh37 (hg19) VCF-style: chr3-52440915-C-G.
Other names: short protein forms G197R.
Identifiers: ClinVar variation 920846 (VCV000920846.11), dbSNP rs1060503739, ClinGen allele CA353109198.
Genomic context (GRCh38, chr3:52,406,899, plus strand): 5'-CGAGGCCGATACGCTCCATGATGACCCGCCGGGCCTTGTCTGTCCACTCCTCGTCCTCCC[C>G]CCAGGGCCCTAGTGGAGACCAAGACAAGGAATCAGCGAGAAGGAAACCCTGAGTTTGGGC-3'
Protein context (NP_004647.1, residues 187-207): KVYPIDHGPW[Gly197Arg]EDEEWTDKAR